The following is an entry in ClinVar:

NM_001282531.3(ADNP):c.1834G>T (p.Ala612Ser)

Gene: ADNP (activity dependent neuroprotector homeobox; minus strand). Cytogenetic location: 20q13.13.
Variant type: single nucleotide variant.
Coding change: c.1834G>T on transcript NM_001282531.3 (MANE Select); coding-DNA position 1834, G replaced by T.
Protein change: p.Ala612Ser; replaces alanine 612 with serine.
Molecular consequence: missense variant.
Genome position (GRCh38, 1-based): chr20:50,892,880, C>A on the plus strand (G>T on the coding strand, the complement: ADNP is on the minus strand). VCF-style: chr20-50892880-C-A. GRCh37 (hg19) VCF-style: chr20-49509417-C-A.
Other names: c.1834G>T, p.Ala612Ser (NM_001282532.2, NM_001347511.2, NM_015339.5 and 1 more transcripts); short protein forms A612S.
Identifiers: ClinVar variation 2861478 (VCV002861478.3), dbSNP rs1159890902, ClinGen allele CA408972133.

ClinVar aggregate classification (germline): Uncertain significance (1 of 4 stars; one submission).

Allele frequency attached by ClinVar (database versions not stated): TOPMed below 0.00001; gnomAD 0.00001.
gnomAD v4.1: 1 of 1,614,090 alleles (0.000062%); highest among the groups gnomAD compares: Non-Finnish European, 0.000085%; no homozygotes.

Submission:

Labcorp Genetics (formerly Invitae), Labcorp
Classification: Uncertain significance. Last evaluated: 2023-05-02. Review status: criteria provided, single submitter. Criteria: Invitae Variant Classification Sherloc (09022015). Collection method: clinical testing. Allele origin: germline.
Comment: In summary, the available evidence is currently insufficient to determine the role of this variant in disease. Therefore, it has been classified as a Variant of Uncertain Significance. An algorithm developed to predict the effect of missense changes on protein structure and function (PolyPhen-2) suggests that this variant is likely to be tolerated. This variant has not been reported in the literature in individuals affected with ADNP-related conditions. This variant is not present in population databases (gnomAD no frequency). This sequence change replaces alanine, which is neutral and non-polar, with serine, which is neutral and polar, at codon 612 of the ADNP protein (p.Ala612Ser).